The following is an entry in ClinVar:

NM_000091.5(COL4A3):c.1252G>A (p.Gly418Arg)

Genes: COL4A3 (collagen type IV alpha 3 chain; plus strand), MFF-DT (MFF divergent transcript; minus strand). Cytogenetic location: 2q36.3.
Variant type: single nucleotide variant.
Coding change: c.1252G>A on transcript NM_000091.5 (MANE Select); coding-DNA position 1252, G replaced by A.
Protein change: p.Gly418Arg; replaces glycine 418 with arginine.
Molecular consequence: missense variant.
Genome position (GRCh38, 1-based): chr2:227,263,881, G>A. VCF-style: chr2-227263881-G-A. GRCh37 (hg19) VCF-style: chr2-228128597-G-A.
Other names: short protein forms G418R.
Identifiers: ClinVar variation 2708196 (VCV002708196.4), dbSNP rs2469634498, ClinGen allele CA350869316.

ClinVar aggregate classification (germline): Conflicting classifications of pathogenicity. Review status: criteria provided, conflicting classifications (1 of 4 stars). 2 submissions from 2 submitters: Likely pathogenic (1); Uncertain significance (1). Last evaluated 2024-02-12.

Conditions:
Hematuria, benign familial, 2 (BFH2). Identifiers: MedGen C5830421, MONDO:0958186, OMIM 620320.
Autosomal dominant Alport syndrome (ATS3A). Also called: ALPORT SYNDROME 3A, AUTOSOMAL DOMINANT; Alport syndrome dominant type; Renal failure and sensorineural hearing loss. Identifiers: Orphanet 63, Orphanet 88918, MedGen C5882663, MONDO:0007086, OMIM 104200.
Alport syndrome 3b, autosomal recessive. Identifiers: MedGen C5882699, MONDO:0957811, OMIM 620536.

Submissions (2):

Fulgent Genetics
Classification: Likely pathogenic for Autosomal dominant Alport syndrome; Hematuria, benign familial, 2; Alport syndrome 3b, autosomal recessive. Last evaluated: 2024-02-12. Review status: criteria provided, single submitter. Criteria: ACMG Guidelines, 2015. Collection method: clinical testing. Allele origin: germline.

Labcorp Genetics (formerly Invitae), Labcorp
Classification: Uncertain significance. Last evaluated: 2024-01-08. Review status: criteria provided, single submitter. Criteria: Invitae Variant Classification Sherloc (09022015). Collection method: clinical testing. Allele origin: germline.
Comment: This sequence change replaces glycine, which is neutral and non-polar, with arginine, which is basic and polar, at codon 418 of the COL4A3 protein (p.Gly418Arg). This variant is not present in population databases (gnomAD no frequency). This variant has not been reported in the literature in individuals affected with COL4A3-related conditions. Advanced modeling of protein sequence and biophysical properties (such as structural, functional, and spatial information, amino acid conservation, physicochemical variation, residue mobility, and thermodynamic stability) has been performed at Invitae for this missense variant, however the output from this modeling did not meet the statistical confidence thresholds required to predict the impact of this variant on COL4A3 protein function. In summary, the available evidence is currently insufficient to determine the role of this variant in disease. Therefore, it has been classified as a Variant of Uncertain Significance.